The following is an entry in ClinVar:

NM_012154.5(AGO2):c.2365A>C (p.Thr789Pro)

Gene: AGO2 (argonaute RISC catalytic component 2; minus strand). Cytogenetic location: 8q24.3.
Variant type: single nucleotide variant.
Coding change: c.2365A>C on transcript NM_012154.5 (MANE Select); coding-DNA position 2365, A replaced by C.
Protein change: p.Thr789Pro; replaces threonine 789 with proline.
Molecular consequence: missense variant.
Genome position (GRCh38, 1-based): chr8:140,532,522, T>G on the plus strand (A>C on the coding strand, the complement: AGO2 is on the minus strand). VCF-style: chr8-140532522-T-G. GRCh37 (hg19) VCF-style: chr8-141542621-T-G.
Other names: c.2263A>C, p.Thr755Pro (NM_001164623.3); short protein forms T755P, T789P.
Identifiers: ClinVar variation 1693380 (VCV001693380.3), dbSNP rs2132854158, ClinGen allele CA372331141.

ClinVar aggregate classification (germline): Uncertain significance (1 of 4 stars; one submission).

Submission:

GeneDx
Classification: Uncertain significance. Last evaluated: 2025-06-05. Review status: criteria provided, single submitter. Criteria: GeneDx Variant Classification Process June 2021. Collection method: clinical testing. Allele origin: germline. Affected: yes.
Comment: Not observed at significant frequency in large population cohorts (gnomAD); In silico analysis supports that this missense variant has a deleterious effect on protein structure/function; Has not been previously published as pathogenic or benign to our knowledge